The following is an entry in ClinVar:

NM_004655.4(AXIN2):c.816-1G>A

Gene: AXIN2 (axin 2; minus strand). Cytogenetic location: 17q24.1.
Variant type: single nucleotide variant.
Coding change: c.816-1G>A on transcript NM_004655.4 (MANE Select); the canonical splice acceptor site of the intron before coding-DNA position 816, G replaced by A.
Molecular consequence: splice acceptor variant.
Genome position (GRCh38, 1-based): chr17:65,549,661, C>T on the plus strand (G>A on the coding strand, the complement: AXIN2 is on the minus strand). VCF-style: chr17-65549661-C-T. GRCh37 (hg19) VCF-style: chr17-63545779-C-T.
Other names: c.816-1G>A (NM_001363813.1).
Identifiers: ClinVar variation 2679889 (VCV002679889.5), dbSNP rs2144540259, ClinGen allele CA400679720.

ClinVar aggregate classification (germline): Likely pathogenic. Review status: criteria provided, multiple submitters, no conflicts (2 of 4 stars). 3 submissions from 3 submitters: Likely pathogenic (3). Last evaluated 2024-03-30.

Conditions:
Colorectal cancer. Also called: Colorectal cancer, somatic; Malignant Colorectal Neoplasm. Identifiers: MedGen C0346629, MONDO:0005575, OMIM 114500.
AXIN2-related disorder.
Oligodontia-cancer predisposition syndrome. Also called: TOOTH AGENESIS-COLORECTAL CANCER SYNDROME. Identifiers: Orphanet 300576, MedGen C1837750, MONDO:0012075, OMIM 608615. Disease mechanism: loss of function.

Submissions (3):

Labcorp Genetics (formerly Invitae), Labcorp
Classification: Likely pathogenic for Oligodontia-cancer predisposition syndrome. Last evaluated: 2024-03-30. Review status: criteria provided, single submitter. Criteria: Invitae Variant Classification Sherloc (09022015). Collection method: clinical testing. Allele origin: germline.
Comment: This sequence change affects an acceptor splice site in intron 2 of the AXIN2 gene. It is expected to disrupt RNA splicing. Variants that disrupt the donor or acceptor splice site typically lead to a loss of protein function (PMID: 16199547), and loss-of-function variants in AXIN2 are known to be pathogenic (PMID: 15042511, 21416598). This variant is not present in population databases (gnomAD no frequency). This variant has not been reported in the literature in individuals affected with AXIN2-related conditions. Algorithms developed to predict the effect of sequence changes on RNA splicing suggest that this variant may disrupt the consensus splice site. In summary, the currently available evidence indicates that the variant is pathogenic, but additional data are needed to prove that conclusively. Therefore, this variant has been classified as Likely Pathogenic.

Blueprint Genetics
Classification: Likely pathogenic for AXIN2-related disorders. Last evaluated: 2023-07-05. Review status: criteria provided, single submitter. Criteria: ACMG Guidelines, 2015. Collection method: clinical testing. Allele origin: germline. Affected: yes. Observed: 5 variant alleles.

Baylor Genetics
Classification: Likely pathogenic for Colorectal cancer. Last evaluated: 2022-08-16. Review status: criteria provided, single submitter. Criteria: ACMG Guidelines, 2015. Collection method: clinical testing. Allele origin: unknown.

Literature cited by the submitters: PubMed 16199547 (cited by Labcorp Genetics (formerly Invitae), Labcorp); PubMed 15042511 (cited by Labcorp Genetics (formerly Invitae), Labcorp); PubMed 21416598 (cited by Labcorp Genetics (formerly Invitae), Labcorp).